The following is an entry in ClinVar:

NM_001042492.3(NF1):c.1048_1062+8del

Gene: NF1 (neurofibromin 1; plus strand). Cytogenetic location: 17q11.2.
Variant type: Deletion.
Coding change: c.1048_1062+8del on transcript NM_001042492.3 (MANE Select); coding-DNA position 1048 through 8 bases into the intron after coding-DNA position 1062, 23 bases deleted (GTGGTTGATCTTAAGGTAACATG).
Molecular consequence: splice donor variant.
Genome position (GRCh38, 1-based): chr17:31,200,581-31,200,603, GTGGTTGATCTTAAGGTAACATG deleted; deleting any 23 consecutive bases within chr17:31,200,577-31,200,603 gives the same sequence; the c. name uses the placement nearest the transcript's 3' end. VCF-style (leftmost placement, unchanged base first): chr17-31200576-CCATGGTGGTTGATCTTAAGGTAA-C. GRCh37 (hg19) VCF-style: chr17-29527594-CCATGGTGGTTGATCTTAAGGTAA-C.
Other names: c.1048_1062+8del (NM_000267.4, NM_001128147.3); c.1048_1062+8del23 (NM_000267.3).
Identifiers: ClinVar variation 3404790 (VCV003404790.1).

ClinVar aggregate classification (germline): Likely pathogenic (1 of 4 stars; one submission).

Conditions:
Hereditary cancer-predisposing syndrome. Also called: Hereditary Cancer Syndrome; Tumor predisposition; Hereditary neoplastic syndrome; Neoplastic Syndromes, Hereditary. Identifiers: Orphanet 140162, MedGen C0027672, MeSH D009386, MONDO:0015356.
Cardiovascular phenotype. Identifiers: MedGen CN230736.

Submission:

Ambry Genetics
Classification: Likely pathogenic for Cardiovascular phenotype; Hereditary cancer-predisposing syndrome. Last evaluated: 2024-10-28. Review status: criteria provided, single submitter. Criteria: Ambry Variant Classification Scheme 2023. Collection method: clinical testing. Allele origin: germline.
Comment: The c.1048_1062+8del23 variant results from a deletion of 23 nucleotides between positions c.1062+8 and c.1048 and involves the canonical splice donor site after coding exon 9 of the NF1 gene. The canonical splice donor site is highly conserved in available vertebrate species. In silico splice site analysis predicts that this alteration will weaken the native splice donor site. The resulting transcript is predicted to be in-frame and is not expected to trigger nonsense-mediated mRNAdecay; however, direct evidence is insufficient at this time (Ambry internal data). The exact functional effect of the altered amino acid sequence is unknown; however, the impacted region is critical for protein function (Ambry internal data). This variant is considered to be rare based on population cohorts in the Genome Aggregation Database (gnomAD). Based on the majority of available evidence to date, this variant is likely to be pathogenic.